The following is an entry in ClinVar:

NM_017514.5(PLXNA3):c.3183C>T (p.Arg1061=)

Gene: PLXNA3 (plexin A3; plus strand). Cytogenetic location: Xq28.
Variant type: single nucleotide variant.
Coding change: c.3183C>T on transcript NM_017514.5 (MANE Select); coding-DNA position 3183, C replaced by T.
Protein change: p.Arg1061=; no amino-acid change (arginine 1061 retained).
Molecular consequence: synonymous variant.
Genome position (GRCh38, 1-based): chrX:154,467,132, C>T. VCF-style: chrX-154467132-C-T. GRCh37 (hg19) VCF-style: chrX-153695475-C-T.
Identifiers: ClinVar variation 3039841 (VCV003039841.2), dbSNP rs782401505, ClinGen allele CA10564571.
Genomic context (GRCh38, chrX:154,467,132, plus strand): 5'-CACTGTGAGTGGGACCCACCTGCTGACGGTCCAGGAGCCCCGGGTCCGTGCCAAGTACCG[C>T]GGCATTGAGACCACCAATGTGAGTACCAGCTGCCCCGCCCCACCCCGACCCTGCAGCCCA-3'
Protein context (NP_059984.3, residues 1051-1071): VQEPRVRAKY[Arg1061=]GIETTNTCQV

ClinVar aggregate classification (germline): Likely benign (0 of 4 stars; one submission).

Conditions:
PLXNA3-related disorder. Also called: PLXNA3-related condition.

Allele frequency attached by ClinVar (database versions not stated): 1000 Genomes Project 30x 0.00021; 1000 Genomes Project 0.00026.
gnomAD v4.1: 81 of 1,208,407 alleles (0.0067%); highest among the groups gnomAD compares: East Asian, 0.033%; no homozygotes.

Submission:

PreventionGenetics, part of Exact Sciences
Classification: Likely benign for PLXNA3-related condition. Last evaluated: 2019-09-19. Review status: no assertion criteria provided. Collection method: clinical testing. Allele origin: germline.
Comment: This variant is classified as likely benign based on ACMG/AMP sequence variant interpretation guidelines (Richards et al. 2015 PMID: 25741868, with internal and published modifications).